The following is an entry in ClinVar:

NM_002055.5(GFAP):c.607A>G (p.Ile203Val)

Gene: GFAP (glial fibrillary acidic protein; minus strand). Cytogenetic location: 17q21.31.
Variant type: single nucleotide variant.
Coding change: c.607A>G on transcript NM_002055.5 (MANE Select); coding-DNA position 607, A replaced by G.
Protein change: p.Ile203Val; replaces isoleucine 203 with valine.
Molecular consequence: missense variant.
Genome position (GRCh38, 1-based): chr17:44,913,739, T>C on the plus strand (A>G on the coding strand, the complement: GFAP is on the minus strand). VCF-style: chr17-44913739-T-C. GRCh37 (hg19) VCF-style: chr17-42991107-T-C.
Other names: c.607A>G, p.Ile203Val (NM_001131019.3, NM_001242376.3, NM_001363846.2); short protein forms I203V.
Identifiers: ClinVar variation 2498707 (VCV002498707.32), dbSNP rs2145638476, ClinGen allele CA399846370.

ClinVar aggregate classification (germline): Uncertain significance. Review status: criteria provided, multiple submitters, no conflicts (2 of 4 stars). 3 submissions from 3 submitters: Uncertain significance (3). Last evaluated 2026-01-11.

Conditions:
Alexander disease (ALXDRD). Also called: Alexander's disease. Identifiers: Orphanet 58, MedGen C0270726, MONDO:0008752, OMIM 203450.

gnomAD v4.1: 1 of 1,613,206 alleles (0.000062%); no homozygotes.

Submissions (3):

Prenatal Diagnosis Unit, University Medical Center at Ho Chi Minh City, University of Medicine and Pharmacy at Ho Chi Minh City
Classification: Uncertain significance for Alexander disease. Last evaluated: 2026-01-11. Review status: criteria provided, single submitter. Criteria: ACMG Guidelines, 2015. Collection method: provider interpretation. Allele origin: unknown. Inheritance: Autosomal dominant inheritance. Observed: 1 variant allele.
Comment: This variant is absent from population databases (ExAC) and has not been reported in individuals with osteogenesis Alexander disease. Most in silico algorithms suggests this variant has little impact on gene product. In conclusion, this variant is classified as a variant of uncertain significance according to the ACMG/AMP 2015 guidelines, based on the PM2, PM6, BP4 criteria.

Labcorp Genetics (formerly Invitae), Labcorp
Classification: Uncertain significance. Last evaluated: 2023-08-04. Review status: criteria provided, single submitter. Criteria: Invitae Variant Classification Sherloc (09022015). Collection method: clinical testing. Allele origin: germline.
Comment: In summary, the available evidence is currently insufficient to determine the role of this variant in disease. Therefore, it has been classified as a Variant of Uncertain Significance. This sequence change replaces isoleucine, which is neutral and non-polar, with valine, which is neutral and non-polar, at codon 203 of the GFAP protein (p.Ile203Val). This variant is not present in population databases (gnomAD no frequency). This variant has not been reported in the literature in individuals affected with GFAP-related conditions. ClinVar contains an entry for this variant (Variation ID: 2498707). Algorithms developed to predict the effect of missense changes on protein structure and function output the following: SIFT: "Not Available"; PolyPhen-2: "Benign"; Align-GVGD: "Not Available". The valine amino acid residue is found in multiple mammalian species, which suggests that this missense change does not adversely affect protein function.

CeGaT Center for Human Genetics Tuebingen
Classification: Uncertain significance. Last evaluated: 2023-03-01. Review status: criteria provided, single submitter. Criteria: CeGaT Center For Human Genetics Tuebingen Variant Classification Criteria Version 2. Collection method: clinical testing. Allele origin: germline. Affected: yes. Observed: 1 variant allele.
Comment: GFAP: PM2, BP4